The following is an entry in ClinVar:

ClinVar aggregate classification (germline): Benign (1 of 4 stars; one submission).

Submission:

Laboratory for Molecular Medicine, Mass General Brigham Personalized Medicine
Classification: Benign. Last evaluated: 2016-03-28. Review status: criteria provided, single submitter. Criteria: LMM Criteria. Collection method: clinical testing. Allele origin: germline.
Comment: Variant identified in a genome or exome case(s) and assessed due to predicted null impact of the variant or pathogenic assertions in the literature or databases. Disclaimer: This variant has not undergone full assessment. The following are preliminary notes: Frequency

NM_001261430.2(PTGES3L):c.433-8_433-7del

Genes: PTGES3L (prostaglandin E synthase 3 like; minus strand), PTGES3L-AARSD1 (PTGES3L-AARSD1 readthrough; minus strand). Cytogenetic location: 17q21.31.
Variant type: Deletion.
Coding change: c.433-8_433-7del on transcript NM_001261430.2 (MANE Select); 8 bases into the intron before coding-DNA position 433 through 7 bases into the intron before coding-DNA position 433, 2 bases deleted (GC; older notation c.433-8_433-7delGC).
Molecular consequence: intron variant.
Genome position (GRCh38, 1-based): chr17:42,969,193-42,969,194, GC deleted on the plus strand (GC on the coding strand, the reverse complement: PTGES3L is on the minus strand); deleting any 2 consecutive bases within chr17:42,969,193-42,969,195 gives the same sequence; the c. name uses the placement nearest the transcript's 3' end. VCF-style (leftmost placement, unchanged base first): chr17-42969192-GGC-G. GRCh37 (hg19) VCF-style: chr17-41121209-GGC-G.
Other names: c.562-8_562-7delGC (NM_001261430.1); c.561+1095_561+1096del (NM_001136042.2); c.378+1095_378+1096del (NM_025267.4); c.319-8_319-7del (NM_001142654.2); c.334-8_334-7del (NM_001142653.2).
Identifiers: ClinVar variation 403353 (VCV000403353.4), dbSNP rs200141347, ClinGen allele CA8588273.